The following is an entry in ClinVar:

NM_022574.4:c.487G>T

Gene: GIGYF1 (GRB10 interacting GYF protein 1; minus strand).
Variant type: single nucleotide variant.
Identifiers: ClinVar variation 4671831 (VCV004671831.1).

ClinVar aggregate classification (germline): Pathogenic (1 of 4 stars; one submission).

Submission:

Ambry Genetics
Classification: Pathogenic. Last evaluated: 2025-11-12. Review status: criteria provided, single submitter. Criteria: Ambry Variant Classification Scheme 2023. Collection method: clinical testing. Allele origin: germline.
Comment: The c.487G>T (p.E163*) alteration, located in coding exon 6 of the GIGYF1 gene, consists of a G to T substitution at nucleotide position 487. This changes the amino acid from a glutamic acid (E) to a stop codon at amino acid position 163. This alteration is expected to result in loss of function by premature protein truncation or nonsense-mediated mRNA decay. This variant was not reported in population-based cohorts in the Genome Aggregation Database (gnomAD). Based on the available evidence, this alteration is classified as pathogenic.